The following is an entry in ClinVar:

NM_003072.5(SMARCA4):c.3997C>T (p.Arg1333Trp)

Gene: SMARCA4 (SWI/SNF related BAF chromatin remodeling complex subunit ATPase 4; plus strand). Cytogenetic location: 19p13.2.
Variant type: single nucleotide variant.
Coding change: c.3997C>T on transcript NM_003072.5 (MANE Select); coding-DNA position 3997, C replaced by T.
Protein change: p.Arg1333Trp; replaces arginine 1333 with tryptophan.
Molecular consequence: missense variant. On other transcripts: non-coding transcript variant (1).
Genome position (GRCh38, 1-based): chr19:11,034,959, C>T. VCF-style: chr19-11034959-C-T. GRCh37 (hg19) VCF-style: chr19-11145635-C-T.
Other names: c.3997C>T (NM_001128849.1); c.3997C>T, p.Arg1333Trp (NM_001128844.3, NM_001128849.3); c.3898C>T, p.Arg1300Trp (NM_001128845.2, NM_001128846.2, NM_001128847.4 and 2 more transcripts); short protein forms R1300W, R1333W.
Identifiers: ClinVar variation 1006557 (VCV001006557.10), dbSNP rs1403269611, ClinGen allele CA404068079.

ClinVar aggregate classification (germline): Uncertain significance. Review status: criteria provided, multiple submitters, no conflicts (2 of 4 stars). 3 submissions from 3 submitters: Uncertain significance (3). Last evaluated 2025-12-21.

Conditions:
Rhabdoid tumor predisposition syndrome 2 (RTPS2). Identifiers: Orphanet 231108, Orphanet 69077, MedGen C2750074, MONDO:0013224, OMIM 613325.
Hereditary cancer-predisposing syndrome. Also called: Hereditary Cancer Syndrome; Neoplastic Syndromes, Hereditary; Tumor predisposition; Hereditary neoplastic syndrome. Identifiers: Orphanet 140162, MedGen C0027672, MeSH D009386, MONDO:0015356.
SMARCA4-related disorder. Also called: SMARCA4-related condition.

gnomAD v4.1: 2 of 1,596,234 alleles (0.00013%); highest among the groups gnomAD compares: Admixed American, 0.0017%; no homozygotes.

Submissions (3):

Ambry Genetics
Classification: Uncertain significance for Hereditary cancer-predisposing syndrome. Last evaluated: 2025-12-21. Review status: criteria provided, single submitter. Criteria: Ambry Variant Classification Scheme 2023. Collection method: clinical testing. Allele origin: germline.
Comment: The p.R1333W variant (also known as c.3997C>T), located in coding exon 28 of the SMARCA4 gene, results from a C to T substitution at nucleotide position 3997. The arginine at codon 1333 is replaced by tryptophan, an amino acid with dissimilar properties. This amino acid position is conserved. In addition, this alteration is predicted to be deleterious by in silico analysis. Based on the available evidence, the clinical significance of this variant remains unclear.

PreventionGenetics, part of Exact Sciences
Classification: Uncertain significance for SMARCA4-related condition. Last evaluated: 2022-08-21. Review status: criteria provided, single submitter. Criteria: ACMG Guidelines, 2015. Collection method: clinical testing. Allele origin: germline.
Comment: The SMARCA4 c.3997C>T variant is predicted to result in the amino acid substitution p.Arg1333Trp. To our knowledge, this variant has not been reported in the literature or in a large population database, indicating this variant is rare. This variant is interpreted as uncertain significance in ClinVar. At this time, the clinical significance of this variant is uncertain due to the absence of conclusive functional and genetic evidence.

Labcorp Genetics (formerly Invitae), Labcorp
Classification: Uncertain significance for Rhabdoid tumor predisposition syndrome 2. Last evaluated: 2021-08-05. Review status: criteria provided, single submitter. Criteria: Invitae Variant Classification Sherloc (09022015). Collection method: clinical testing. Allele origin: germline.
Comment: In summary, the available evidence is currently insufficient to determine the role of this variant in disease. Therefore, it has been classified as a Variant of Uncertain Significance. Algorithms developed to predict the effect of missense changes on protein structure and function are either unavailable or do not agree on the potential impact of this missense change (SIFT: "Deleterious"; PolyPhen-2: "Probably Damaging"; Align-GVGD: "Class C0"). This variant has not been reported in the literature in individuals with SMARCA4-related conditions. This variant is not present in population databases (ExAC no frequency). This sequence change replaces arginine with tryptophan at codon 1333 of the SMARCA4 protein (p.Arg1333Trp). The arginine residue is highly conserved and there is a moderate physicochemical difference between arginine and tryptophan.